The following is an entry in ClinVar:

ClinVar aggregate classification (germline): Uncertain significance (1 of 4 stars; one submission).

Allele frequency attached by ClinVar (database versions not stated): gnomAD exomes below 0.00001.
gnomAD v4.1: 1 of 1,614,200 alleles (0.000062%); highest among the groups gnomAD compares: African/African-American, 0.0013%; no homozygotes.

Submission:

Labcorp Genetics (formerly Invitae), Labcorp
Classification: Uncertain significance. Last evaluated: 2022-01-19. Review status: criteria provided, single submitter. Criteria: Invitae Variant Classification Sherloc (09022015). Collection method: clinical testing. Allele origin: germline.
Comment: In summary, the available evidence is currently insufficient to determine the role of this variant in disease. Therefore, it has been classified as a Variant of Uncertain Significance. Algorithms developed to predict the effect of missense changes on protein structure and function are either unavailable or do not agree on the potential impact of this missense change (SIFT: "Deleterious"; PolyPhen-2: "Benign"; Align-GVGD: "Class C45"). This variant has not been reported in the literature in individuals affected with PPIB-related conditions. This variant is not present in population databases (gnomAD no frequency). This sequence change replaces asparagine, which is neutral and polar, with serine, which is neutral and polar, at codon 142 of the PPIB protein (p.Asn142Ser).

NM_000942.5(PPIB):c.425A>G (p.Asn142Ser)

Genes: PPIB (peptidylprolyl isomerase B; minus strand), SNX22 (sorting nexin 22; plus strand). Cytogenetic location: 15q22.31.
Variant type: single nucleotide variant.
Coding change: c.425A>G on transcript NM_000942.5 (MANE Select); coding-DNA position 425, A replaced by G.
Protein change: p.Asn142Ser; replaces asparagine 142 with serine.
Molecular consequence: missense variant. On other transcripts: 3 prime UTR variant (1), non-coding transcript variant (1).
Genome position (GRCh38, 1-based): chr15:64,156,828, T>C on the plus strand (A>G on the coding strand, the complement: PPIB is on the minus strand). VCF-style: chr15-64156828-T-C. GRCh37 (hg19) VCF-style: chr15-64449027-T-C.
Other names: c.*2320T>C (NM_024798.3); short protein forms N142S.
Identifiers: ClinVar variation 2180199 (VCV002180199.4), dbSNP rs2081535923, ClinGen allele CA392817236.